The following is an entry in ClinVar:

ClinVar aggregate classification (germline): Pathogenic (1 of 4 stars; one submission).

Conditions:
Usher syndrome type 1C. Also called: USHER SYNDROME, TYPE I, ACADIAN VARIETY. Identifiers: Orphanet 231169, Orphanet 886, MedGen C1848604, MONDO:0010171, OMIM 276904.

Submission:

Institute of Rare Diseases, West China Hospital, Sichuan University
Classification: Pathogenic for Usher syndrome type 1C. Last evaluated: 2025-01-09. Review status: criteria provided, single submitter. Criteria: ClinGen HL ACMG Specifications v1. Collection method: research. Allele origin: germline. Affected: yes.
Comment: PVS1;PM3;PP4;PM2_Supporting

NM_153676.4(USH1C):c.141dup (p.Leu48fs)

Gene: USH1C (USH1 protein network component harmonin; minus strand). Cytogenetic location: 11p15.1.
Variant type: Duplication.
Coding change: c.141dup on transcript NM_153676.4 (MANE Select); coding-DNA position 141, one base duplicated (G; older notation c.141dupG).
Protein change: p.Leu48fs; shifts the reading frame from leucine 48.
Molecular consequence: frameshift variant. On other transcripts: non-coding transcript variant (1).
Genome position (GRCh38, 1-based): chr11:17,531,506, C duplicated on the plus strand (G on the coding strand, the reverse complement: USH1C is on the minus strand). VCF-style (leftmost placement, unchanged base first): chr11-17531505-G-GC. GRCh37 (hg19) VCF-style: chr11-17553052-G-GC.
Other names: c.141dup, p.Leu48fs (NM_001297764.2, NM_005709.4); short protein forms L48fs.
Identifiers: ClinVar variation 3601011 (VCV003601011.1).